The following is an entry in ClinVar:

ClinVar aggregate classification (germline): Pathogenic (1 of 4 stars; one submission).

Conditions:
Pheochromocytoma. Also called: MAX-Related Hereditary Paraganglioma-Pheochromocytoma Syndrome. Identifiers: Orphanet 29072, MedGen C0031511, MONDO:0008233, OMIM 171300, HP:0002666.
Pheochromocytoma/paraganglioma syndrome 1. Also called: Paragangliomas 1; Glomus tumors familial 1; Paraganglioma - glomus jugulare; PARAGANGLIOMAS, FAMILIAL NONCHROMAFFIN, 1; PGL 1; Paragangliomas familial 1. Identifiers: Orphanet 29072, MedGen C3494181, MONDO:0008192, OMIM 168000.

Submission:

Labcorp Genetics (formerly Invitae), Labcorp
Classification: Pathogenic for Paragangliomas with sensorineural hearing loss; Pheochromocytoma. Last evaluated: 2016-06-01. Review status: criteria provided, single submitter. Criteria: Invitae Variant Classification Sherloc (09022015). Collection method: clinical testing. Allele origin: germline.
Comment: A gross deletion of the genomic region encompassing the full coding sequence of the SDHD gene has been identified. The boundaries of this event are unknown as the deletion extends beyond the assayed region for this gene and therefore may encompass additional genes. Truncating variants in SDHD are known to be pathogenic (PMID: 19802898, 19454582) . This variant has been reported to segregate with paraganglioma in a single family (PMID: 15531530). For these reasons, this variant has been classified as Pathogenic.

NC_000011.10:g.(?_112086824)_(112095801_?)del

Genes: SDHD (succinate dehydrogenase complex subunit D; plus strand), LOC126861339 (BRD4-independent group 4 enhancer GRCh37_chr11:111957035-111958234; plus strand). Cytogenetic location: 11q23.1.
Variant type: Deletion.
Identifiers: ClinVar variation 239459 (VCV000239459.1).